The following is an entry in ClinVar:

NM_012471.3(TRPC5):c.2487T>C (p.Ala829=)

Gene: TRPC5 (transient receptor potential cation channel subfamily C member 5; minus strand). Cytogenetic location: Xq23.
Variant type: single nucleotide variant.
Coding change: c.2487T>C on transcript NM_012471.3 (MANE Select); coding-DNA position 2487, T replaced by C.
Protein change: p.Ala829=; no amino-acid change (alanine 829 retained).
Molecular consequence: synonymous variant.
Genome position (GRCh38, 1-based): chrX:111,776,748, A>G on the plus strand (T>C on the coding strand, the complement: TRPC5 is on the minus strand). VCF-style: chrX-111776748-A-G. GRCh37 (hg19) VCF-style: chrX-111019976-A-G.
Identifiers: ClinVar variation 4986359 (VCV004986359.1).

ClinVar aggregate classification (germline): Likely benign (1 of 4 stars; one submission).

Conditions:
TRPC5-related disorder. Also called: TRPC5-related condition.

gnomAD v4.1: 5 of 1,209,299 alleles (0.00041%); highest among the groups gnomAD compares: African/African-American, 0.0088%; no homozygotes.

Submission:

PreventionGenetics, part of Exact Sciences
Classification: Likely benign for TRPC5-related condition. Last evaluated: 2025-04-29. Review status: criteria provided, single submitter. Criteria: ACMG Guidelines, 2015. Collection method: clinical testing. Allele origin: germline.
Comment: This variant is classified as likely benign based on ACMG/AMP sequence variant interpretation guidelines (Richards et al. 2015 PMID: 25741868, with internal and published modifications).